The following is an entry in ClinVar:

NM_198252.3(GSN):c.1870A>G (p.Lys624Glu)

Gene: GSN (gelsolin; plus strand). Cytogenetic location: 9q33.2.
Variant type: single nucleotide variant.
Coding change: c.1870A>G on transcript NM_198252.3 (MANE Select); coding-DNA position 1870, A replaced by G.
Protein change: p.Lys624Glu; replaces lysine 624 with glutamic acid.
Molecular consequence: missense variant.
Genome position (GRCh38, 1-based): chr9:121,328,998, A>G. VCF-style: chr9-121328998-A-G. GRCh37 (hg19) VCF-style: chr9-124091276-A-G.
Other names: c.2023A>G, p.Lys675Glu (NM_000177.5); c.1870A>G, p.Lys624Glu (NM_001127662.2, NM_001127664.2, NM_001127665.2 and 10 more transcripts); c.1978A>G, p.Lys660Glu (NM_001127663.2); c.1903A>G, p.Lys635Glu (NM_001127666.2, NM_001127667.2, NM_001353063.2 and 13 more transcripts); c.1921A>G, p.Lys641Glu (NM_001258029.2); c.1894A>G, p.Lys632Glu (NM_001258030.2); c.1942A>G, p.Lys648Glu (NM_001353076.2); c.1216A>G, p.Lys406Glu (NM_001353078.2); and 1 more; short protein forms K406E, K632E, K648E, K675E, K635E, K641E, K660E, K624E.
Identifiers: ClinVar variation 1450335 (VCV001450335.9), dbSNP rs756053203, ClinGen allele CA5221437.

ClinVar aggregate classification (germline): Uncertain significance. Review status: criteria provided, multiple submitters, no conflicts (2 of 4 stars). 3 submissions from 3 submitters: Uncertain significance (3). Last evaluated 2025-09-28.

Conditions:
Finnish type amyloidosis. Also called: AMYLOID CRANIAL NEUROPATHY WITH LATTICE CORNEAL DYSTROPHY; AMYLOIDOSIS DUE TO MUTANT GELSOLIN; Amyloidosis, familial, Finnish type; Meretoja type amyloidosis; Amyloidosis 5; Lattice corneal dystrophy associated with familial systemic amyloidosis. Identifiers: Orphanet 85448, MedGen C1622345, MONDO:0007097, OMIM 105120.

Allele frequency attached by ClinVar (database versions not stated): gnomAD 0.00002 and 0.00003; gnomAD exomes 0.00002; TOPMed 0.00002; ExAC 0.00003.
gnomAD v4.1: 33 of 1,613,780 alleles (0.002%); highest among the groups gnomAD compares: Non-Finnish European, 0.0027%; no homozygotes.

Submissions (3):

Labcorp Genetics (formerly Invitae), Labcorp
Classification: Uncertain significance. Last evaluated: 2025-09-28. Review status: criteria provided, single submitter. Criteria: Invitae Variant Classification Sherloc (09022015). Collection method: clinical testing. Allele origin: germline.
Comment: This sequence change replaces lysine, which is basic and polar, with glutamic acid, which is acidic and polar, at codon 675 of the GSN protein (p.Lys675Glu). This variant is present in population databases (rs756053203, gnomAD 0.005%). This variant has not been reported in the literature in individuals affected with GSN-related conditions. ClinVar contains an entry for this variant (Variation ID: 1450335). Invitae Evidence Modeling of protein sequence and biophysical properties (such as structural, functional, and spatial information, amino acid conservation, physicochemical variation, residue mobility, and thermodynamic stability) indicates that this missense variant is not expected to disrupt GSN protein function with a negative predictive value of 80%. In summary, the available evidence is currently insufficient to determine the role of this variant in disease. Therefore, it has been classified as a Variant of Uncertain Significance.

Fulgent Genetics
Classification: Uncertain significance for Finnish type amyloidosis. Last evaluated: 2024-04-08. Review status: criteria provided, single submitter. Criteria: ACMG Guidelines, 2015. Collection method: clinical testing. Allele origin: germline.

Women's Health and Genetics/Laboratory Corporation of America, LabCorp
Classification: Uncertain significance. Last evaluated: 2023-03-06. Review status: criteria provided, single submitter. Criteria: LabCorp Variant Classification Summary - May 2015. Collection method: clinical testing. Allele origin: germline.
Comment: Variant summary: GSN c.2023A>G (p.Lys675Glu) results in a conservative amino acid change in the encoded protein sequence. Four of five in-silico tools predict a benign effect of the variant on protein function. The variant allele was found at a frequency of 2.4e-05 in 250998 control chromosomes (gnomAD). The available data on variant occurrences in the general population are insufficient to allow any conclusion about variant significance. To our knowledge, no occurrence of c.2023A>G in individuals affected with Meretoja Syndrome and no experimental evidence demonstrating its impact on protein function have been reported. Two clinical diagnostic laboratories have submitted clinical-significance assessments for this variant to ClinVar after 2014 and classified the variant as uncertain significance. Based on the evidence outlined above, the variant was classified as uncertain significance.